The following is an entry in ClinVar:

NM_015443.4(KANSL1):c.2256C>T (p.Asp752=)

Gene: KANSL1 (KAT8 regulatory NSL complex subunit 1). Cytogenetic location: 17q21.31.
Variant type: single nucleotide variant.
Coding change: c.2256C>T on transcript NM_015443.4 (MANE Select); coding-DNA position 2256, C replaced by T.
Protein change: p.Asp752=; no amino-acid change (aspartic acid 752 retained).
Molecular consequence: synonymous variant.
Genome position (GRCh38, 1-based): chr17:46,039,163, G>A on the plus strand (C>T on the coding strand, the complement: KANSL1 is on the minus strand). VCF-style: chr17-46039163-G-A. GRCh37 (hg19) VCF-style: chr17-44116529-G-A.
Other names: c.2256C>T, p.Asp752= (NM_001193465.2, NM_001193466.2, NM_001379198.1).
Identifiers: ClinVar variation 323773 (VCV000323773.35), dbSNP rs760224197, ClinGen allele CA8618619.
Genomic context (GRCh38, chr17:46,039,163, plus strand): 5'-GAGCAAGCGCTCTGCTTTTGGCGCTGTCACTCGCTCCACCATGGGCACGGCCCCCACATC[G>A]TCTAAGTGCTGCCTGTGGGTCCTGTCAGGCCGGGTTTGGTGATGGGACAGCTCTGAAGAG-3'
Protein context (NP_056258.1, residues 742-762): RPDRTHRQHL[Asp752=]DVGAVPMVER

ClinVar aggregate classification (germline): Likely benign. Review status: criteria provided, multiple submitters, no conflicts (2 of 4 stars). 5 submissions from 5 submitters: Likely benign (5). Last evaluated 2026-06-11.

Conditions:
Koolen-de Vries syndrome (KDVS). Identifiers: Orphanet 96169, MedGen C1864871, MONDO:0012496, OMIM 610443.

Allele frequency attached by ClinVar (database versions not stated): gnomAD below 0.00001 and 0.00001; gnomAD exomes 0.00001 and 0.00003; TOPMed 0.00001; ExAC 0.00002.
gnomAD v4.1: 16 of 1,609,108 alleles (0.00099%); highest among the groups gnomAD compares: Admixed American, 0.0086%; no homozygotes.

Submissions (5):

Women's Health and Genetics/Laboratory Corporation of America, LabCorp
Classification: Likely benign. Last evaluated: 2026-06-11. Review status: criteria provided, single submitter. Criteria: LabCorp Variant Classification Summary - May 2015. Collection method: clinical testing. Allele origin: germline.

Labcorp Genetics (formerly Invitae), Labcorp
Classification: Likely benign for Koolen-de Vries syndrome. Last evaluated: 2024-11-24. Review status: criteria provided, single submitter. Criteria: Invitae Variant Classification Sherloc (09022015). Collection method: clinical testing. Allele origin: germline.

CeGaT Center for Human Genetics Tuebingen
Classification: Likely benign. Last evaluated: 2023-04-01. Review status: criteria provided, single submitter. Criteria: CeGaT Center For Human Genetics Tuebingen Variant Classification Criteria Version 2. Collection method: clinical testing. Allele origin: germline. Affected: yes. Observed: 1 variant allele.
Comment: KANSL1: BP4, BP7

Fulgent Genetics
Classification: Likely benign for Koolen-de Vries syndrome. Last evaluated: 2022-03-24. Review status: criteria provided, single submitter. Criteria: ACMG Guidelines, 2015. Collection method: clinical testing. Allele origin: unknown.

GeneDx
Classification: Likely benign. Last evaluated: 2016-04-18. Review status: criteria provided, single submitter. Criteria: GeneDx Variant Classification (06012015). Collection method: clinical testing. Allele origin: germline. Affected: yes.
Comment: This variant is considered likely benign or benign based on one or more of the following criteria: it is a conservative change, it occurs at a poorly conserved position in the protein, it is predicted to be benign by multiple in silico algorithms, and/or has population frequency not consistent with disease.